The following is an entry in ClinVar:

NM_030625.3(TET1):c.3998G>A (p.Arg1333Lys)

Gene: TET1 (tet methylcytosine dioxygenase 1; plus strand). Cytogenetic location: 10q21.3.
Variant type: single nucleotide variant.
Coding change: c.3998G>A on transcript NM_030625.3 (MANE Select); coding-DNA position 3998, G replaced by A.
Protein change: p.Arg1333Lys; replaces arginine 1333 with lysine.
Molecular consequence: missense variant. On other transcripts: intron variant (4).
Genome position (GRCh38, 1-based): chr10:68,646,727, G>A. VCF-style: chr10-68646727-G-A. GRCh37 (hg19) VCF-style: chr10-70406484-G-A.
Other names: c.3998G>A, p.Arg1333Lys (NM_001406365.1); c.2087G>A, p.Arg696Lys (NM_001406367.1); c.1985G>A, p.Arg662Lys (NM_001406368.1, NM_001406369.1, NM_001406370.1 and 2 more transcripts); c.1969-20318G>A (NM_001406373.1, NM_001406374.1); c.-80-5119G>A (NM_001406375.1, NM_001406376.1); short protein forms R1333K, R662K, R696K.
Identifiers: ClinVar variation 3052242 (VCV003052242.2), dbSNP rs147498630, ClinGen allele CA5526549.

ClinVar aggregate classification (germline): Likely benign (0 of 4 stars; one submission).

Conditions:
TET1-related disorder. Also called: TET1-related condition.

Allele frequency attached by ClinVar (database versions not stated): gnomAD exomes 0.00008; ExAC 0.00021; 1000 Genomes Project 0.00040; 1000 Genomes Project 30x 0.00047; gnomAD 0.00080; ESP Exome Variant Server 0.00085; TOPMed 0.00096.
gnomAD v4.1: 252 of 1,614,124 alleles (0.016%); highest among the groups gnomAD compares: African/African-American, 0.3%; no homozygotes.

Submission:

PreventionGenetics, part of Exact Sciences
Classification: Likely benign for TET1-related condition. Last evaluated: 2022-08-10. Review status: no assertion criteria provided. Collection method: clinical testing. Allele origin: germline.
Comment: This variant is classified as likely benign based on ACMG/AMP sequence variant interpretation guidelines (Richards et al. 2015 PMID: 25741868, with internal and published modifications).